The following is an entry in ClinVar:

ClinVar aggregate classification (germline): Uncertain significance. Review status: criteria provided, multiple submitters, no conflicts (2 of 4 stars). 2 submissions from 2 submitters: Uncertain significance (2). Last evaluated 2026-06-24.

Conditions:
BAP1-related tumor predisposition syndrome (TPDS1). Also called: Tumor susceptibility linked to germline BAP1 mutations; COMMON Syndrome; TUMOR PREDISPOSITION SYNDROME 1; BAP1 tumor predisposition syndrome. Identifiers: Orphanet 289539, MedGen C3280492, MONDO:0013692, OMIM 614327.
Hereditary cancer-predisposing syndrome. Also called: Tumor predisposition; Hereditary neoplastic syndrome; Hereditary Cancer Syndrome; Neoplastic Syndromes, Hereditary. Identifiers: Orphanet 140162, MedGen C0027672, MeSH D009386, MONDO:0015356.

gnomAD v4.1: 1 of 1,556,404 alleles (0.000064%); highest among the groups gnomAD compares: Admixed American, 0.0019%; no homozygotes.

Submissions (2):

Ambry Genetics
Classification: Uncertain significance for Hereditary cancer-predisposing syndrome. Last evaluated: 2026-06-24. Review status: criteria provided, single submitter. Criteria: Ambry Variant Classification Scheme 2023. Collection method: clinical testing. Allele origin: germline.
Comment: The p.A219S variant (also known as c.655G>T), located in coding exon 8 of the BAP1 gene, results from a G to T substitution at nucleotide position 655. The alanine at codon 219 is replaced by serine, an amino acid with similar properties. This amino acid position is conserved. In addition, this alteration is predicted to be tolerated by in silico analysis. Based on the available evidence, the clinical significance of this variant remains unclear.

Labcorp Genetics (formerly Invitae), Labcorp
Classification: Uncertain significance for BAP1-related tumor predisposition syndrome. Last evaluated: 2024-05-05. Review status: criteria provided, single submitter. Criteria: Invitae Variant Classification Sherloc (09022015). Collection method: clinical testing. Allele origin: germline.
Comment: This sequence change replaces alanine, which is neutral and non-polar, with serine, which is neutral and polar, at codon 219 of the BAP1 protein (p.Ala219Ser). The frequency data for this variant in the population databases is considered unreliable, as metrics indicate poor data quality at this position in the gnomAD database. This variant has not been reported in the literature in individuals affected with BAP1-related conditions. Advanced modeling of protein sequence and biophysical properties (such as structural, functional, and spatial information, amino acid conservation, physicochemical variation, residue mobility, and thermodynamic stability) performed at Invitae indicates that this missense variant is not expected to disrupt BAP1 protein function with a negative predictive value of 80%. In summary, the available evidence is currently insufficient to determine the role of this variant in disease. Therefore, it has been classified as a Variant of Uncertain Significance.

NM_004656.4(BAP1):c.655G>T (p.Ala219Ser)

Gene: BAP1 (BRCA1 associated deubiquitinase 1; minus strand). Cytogenetic location: 3p21.1.
Variant type: single nucleotide variant.
Coding change: c.655G>T on transcript NM_004656.4 (MANE Select); coding-DNA position 655, G replaced by T.
Protein change: p.Ala219Ser; replaces alanine 219 with serine.
Molecular consequence: missense variant.
Genome position (GRCh38, 1-based): chr3:52,406,833, C>A on the plus strand (G>T on the coding strand, the complement: BAP1 is on the minus strand). VCF-style: chr3-52406833-C-A. GRCh37 (hg19) VCF-style: chr3-52440849-C-A.
Other names: c.655G>T, p.Ala219Ser (NM_001410772.1); short protein forms A219S.
Identifiers: ClinVar variation 3652179 (VCV003652179.3).